The following is an entry in ClinVar:

ClinVar aggregate classification (germline): Uncertain significance (1 of 4 stars; one submission).

Conditions:
Glycogen storage disease, type II (IOPD). Also called: CARDIOMEGALIA GLYCOGENICA DIFFUSA; Pompe Disease; GLYCOGENOSIS, GENERALIZED, CARDIAC FORM; GSD II; Glycogen storage disease type 2; Acid maltase deficiency disease. Identifiers: Orphanet 365, MedGen C0017921, MONDO:0009290, OMIM 232300.

Submission:

Labcorp Genetics (formerly Invitae), Labcorp
Classification: Uncertain significance for Glycogen storage disease, type II. Last evaluated: 2021-04-10. Review status: criteria provided, single submitter. Criteria: Invitae Variant Classification Sherloc (09022015). Collection method: clinical testing. Allele origin: germline.
Comment: In summary, the available evidence is currently insufficient to determine the role of this variant in disease. Therefore, it has been classified as a Variant of Uncertain Significance. Algorithms developed to predict the effect of missense changes on protein structure and function (SIFT, PolyPhen-2, Align-GVGD) all suggest that this variant is likely to be tolerated, but these predictions have not been confirmed by published functional studies and their clinical significance is uncertain. This variant has not been reported in the literature in individuals with GAA-related conditions. This variant is not present in population databases (ExAC no frequency). This sequence change replaces alanine with threonine at codon 486 of the GAA protein (p.Ala486Thr). The alanine residue is moderately conserved and there is a small physicochemical difference between alanine and threonine.

NM_000152.5(GAA):c.1456G>A (p.Ala486Thr)

Gene: GAA (alpha glucosidase; plus strand). Cytogenetic location: 17q25.3.
Variant type: single nucleotide variant.
Coding change: c.1456G>A on transcript NM_000152.5 (MANE Select); coding-DNA position 1456, G replaced by A.
Protein change: p.Ala486Thr; replaces alanine 486 with threonine.
Molecular consequence: missense variant.
Genome position (GRCh38, 1-based): chr17:80,110,745, G>A. VCF-style: chr17-80110745-G-A. GRCh37 (hg19) VCF-style: chr17-78084544-G-A.
Other names: c.1456G>A, p.Ala486Thr (NM_001079803.3, NM_001079804.3); short protein forms A486T.
Identifiers: ClinVar variation 1524991 (VCV001524991.8), dbSNP rs1283045273, ClinGen allele CA401366833.